The following is an entry in ClinVar:

ClinVar aggregate classification (germline): Uncertain significance (1 of 4 stars; one submission).

Allele frequency attached by ClinVar (database versions not stated): gnomAD 0.00001.

Submission:

Labcorp Genetics (formerly Invitae), Labcorp
Classification: Uncertain significance. Last evaluated: 2023-11-01. Review status: criteria provided, single submitter. Criteria: Invitae Variant Classification Sherloc (09022015). Collection method: clinical testing. Allele origin: germline.
Comment: This sequence change creates a premature translational stop signal (p.Ser591*) in the LETM1 gene. It is expected to result in an absent or disrupted protein product. However, the current clinical and genetic evidence is not sufficient to establish whether loss-of-function variants in LETM1 cause disease. The frequency data for this variant in the population databases is considered unreliable, as metrics indicate poor data quality at this position in the gnomAD database. This variant has not been reported in the literature in individuals affected with LETM1-related conditions. ClinVar contains an entry for this variant (Variation ID: 2080270). In summary, the available evidence is currently insufficient to determine the role of this variant in disease. Therefore, it has been classified as a Variant of Uncertain Significance.

NM_012318.3(LETM1):c.1772C>A (p.Ser591Ter)

Gene: LETM1 (leucine zipper and EF-hand containing transmembrane protein 1; minus strand). Cytogenetic location: 4p16.3.
Variant type: single nucleotide variant.
Coding change: c.1772C>A on transcript NM_012318.3 (MANE Select); coding-DNA position 1772, C replaced by A.
Protein change: p.Ser591Ter; replaces serine 591 with a stop codon.
Molecular consequence: nonsense.
Genome position (GRCh38, 1-based): chr4:1,816,886, G>T on the plus strand (C>A on the coding strand, the complement: LETM1 is on the minus strand). VCF-style: chr4-1816886-G-T. GRCh37 (hg19) VCF-style: chr4-1818613-G-T.
Other names: short protein forms S591*.
Identifiers: ClinVar variation 2080270 (VCV002080270.4), dbSNP rs1482432002, ClinGen allele CA355996208.
Genomic context (GRCh38, chr4:1,816,886, plus strand): 5'-CTTTTTGTCAATCTCTTGCTGGCTTTAGATTCTTCCACGTACTTTTCTTCACCAGTCTTT[G>T]AAAGTTCCTTCTTGATCTCCTGCAAGTCCTAATAAAATTATTTTGGTTGTAAAAAGTTTG-3'